The following is an entry in ClinVar:

NM_001009944.3(PKD1):c.12724C>T (p.Gln4242Ter)

Gene: PKD1 (polycystin 1, transient receptor potential channel interacting; minus strand). Cytogenetic location: 16p13.3.
Variant type: single nucleotide variant.
Coding change: c.12724C>T on transcript NM_001009944.3 (MANE Select); coding-DNA position 12724, C replaced by T.
Protein change: p.Gln4242Ter; replaces glutamine 4242 with a stop codon.
Molecular consequence: nonsense.
Genome position (GRCh38, 1-based): chr16:2,089,915, G>A on the plus strand (C>T on the coding strand, the complement: PKD1 is on the minus strand). VCF-style: chr16-2089915-G-A. GRCh37 (hg19) VCF-style: chr16-2139916-G-A.
Other names: c.12721C>T, p.Gln4241Ter (NM_000296.4); short protein forms Q4241*, Q4242*.
Identifiers: ClinVar variation 618309 (VCV000618309.16), dbSNP rs1181168635, ClinGen allele CA394320327.

ClinVar aggregate classification (germline): Pathogenic/Likely pathogenic. Review status: criteria provided, multiple submitters, no conflicts (2 of 4 stars). 7 submissions from 7 submitters: Pathogenic (1); Likely pathogenic (6). Last evaluated 2026-07-08.

Conditions:
PKD1-related disorder. Also called: PKD1-related condition.
Polycystic kidney disease, adult type (PKD1). Also called: Polycystic Kidney, Autosomal Dominant; Polycystic Kidney Disease 1, Autosomal Dominant; Polycystic kidney disease 1; Polycystic kidney disease 1, severe; POLYCYSTIC KIDNEY DISEASE 1 WITH OR WITHOUT POLYCYSTIC LIVER DISEASE; POLYCYSTIC KIDNEY DISEASE, ADULT, TYPE I. Identifiers: MedGen C3149841, MONDO:0008263, OMIM 173900.

Submissions (7):

MVZ Medizinische Genetik Mainz
Classification: Pathogenic for Polycystic kidney disease, adult type. Last evaluated: 2026-07-08. Review status: criteria provided, single submitter. Criteria: UK Practice Guidelines For Variant Classification V4 01 2020. Collection method: clinical testing. Allele origin: germline. Inheritance: Autosomal dominant inheritance. Affected: yes. Observed: 1 variant allele.

Women's Health and Genetics/Laboratory Corporation of America, LabCorp
Classification: Likely pathogenic for Polycystic kidney disease, adult type. Last evaluated: 2025-07-07. Review status: criteria provided, single submitter. Criteria: LabCorp Variant Classification Summary - May 2015. Collection method: clinical testing. Allele origin: germline.
Comment: Variant summary: PKD1 c.12724C>T (p.Gln4242X) results in a premature termination codon, predicted to cause a truncation of the encoded protein or absence of the protein due to nonsense mediated decay, which are commonly known mechanisms for disease. The variant was absent in 243268 control chromosomes (gnomAD). The variant, c.12724C>T, has been observed in heterozygous state in individuals affected with Polycystic Kidney Disease 1 (Stekrova_2009, Hoefele_2011). These data indicate that the variant may be associated with disease. In addition, multiple truncations at a similar level and downstream have been reported in affected individuals (HGMD), and been classified as Likely pathogenic in ClinVar. To our knowledge, no experimental evidence demonstrating an impact on protein function has been reported. The following publications have been ascertained in the context of this evaluation (PMID: 19686598, 21115670). ClinVar contains an entry for this variant (Variation ID: 618309). Based on the evidence outlined above, the variant was classified as likely pathogenic.

Dasa
Classification: Likely pathogenic for Polycystic kidney disease, adult type. Last evaluated: 2024-09-09. Review status: criteria provided, single submitter. Criteria: DASA Assertion Criteria. Collection method: clinical testing. Allele origin: germline.
Comment: NM_001009944.3(PKD1):c.12724C>T (p.Gln4242*) is a nonsense variant in PKD1 predicted to introduce a premature termination codon and is predicted to result in an absent or altered protein product. Loss of function is an established disease mechanism for PKD1 (PMID: 25491204; PMID: 24694054; PMID: 29529603). This variant has been reported in individuals with Polycystic kidney disease, adult type. Also, this variant is absent from population databases. Based on the currently available evidence, this variant is classified as likely pathogenic.

PreventionGenetics, part of Exact Sciences
Classification: Likely pathogenic for PKD1-related condition. Last evaluated: 2023-07-19. Review status: criteria provided, single submitter. Criteria: ACMG Guidelines, 2015. Collection method: clinical testing. Allele origin: germline.
Comment: The PKD1 c.12724C>T variant is predicted to result in premature protein termination (p.Gln4242*). This variant has been reported in an individual with polycystic kidney disease 1 (Table 1, Stekrova et al. 2009. PubMed ID: 19686598). This variant has not been reported in a large population database, indicating this variant is rare. Nonsense variants in PKD1 are expected to be pathogenic. Of note, this variant resides in the final exon of this gene, and it is unclear if the resulting mRNA would undergo nonsense-mediated decay. This variant is interpreted as likely pathogenic.

Fulgent Genetics
Classification: Likely pathogenic for Polycystic kidney disease, adult type. Last evaluated: 2021-09-24. Review status: criteria provided, single submitter. Criteria: ACMG Guidelines, 2015. Collection method: clinical testing. Allele origin: unknown.

GeneDx
Classification: Likely pathogenic. Last evaluated: 2021-01-06. Review status: criteria provided, single submitter. Criteria: GeneDx Variant Classification Process June 2021. Collection method: clinical testing. Allele origin: germline. Affected: yes.
Comment: Nonsense variant in the C-terminus predicted to result in protein truncation, as the last 62 amino acids are lost, and other loss-of-function variants have been reported downstream in the Human Gene Mutation Database (Stenson et al., 2014); Not observed in large population cohorts (Lek et al., 2016); This variant is associated with the following publications: (PMID: 19686598, 21115670)

ARUP Laboratories, Molecular Genetics and Genomics, ARUP Laboratories
Classification: Likely pathogenic. Last evaluated: 2017-12-07. Review status: criteria provided, single submitter. Criteria: ARUP Molecular Germline Variant Investigation Process. Collection method: clinical testing. Allele origin: germline.
Comment: The PKD1 c.12724C>T, p.Gln4242Ter variant has been reported in two individuals with autosomal dominant polycystic kidney disease (Hoefele 2010, Strekova 2009), and listed as definitely pathogenic in the Mayo ADPKD database (see link). It is not observed in the general population databases, such as the 1000 Genomes Project, Exome Variant Server, and Genome Aggregation Database. The variant introduces a premature termination codon in the last exon, and is predicted to result in a truncated protein lacking 62 amino acids at the C-terminus. Nearby and downstream truncating variants have also been reported in individuals with autosomal dominant polycystic kidney disease (Mayo ADPKD database). Based on the above information, the p.Gln4242Ter variant is classified as likely pathogenic. References: Mayo ADPKD database: Hoefele J et al. Novel PKD1 and PKD2 mutations in autosomal dominant polycystic kidney disease (ADPKD). Nephrol Dial Transplant. 2011; 26(7):2181-8. Stekrova J et al. New mutations in the PKD1 gene in Czech population with autosomal dominant polycystic kidney disease. BMC Med Genet. 2009; 10:78.

Literature cited by the submitters: PubMed 21115670 (cited by Women's Health and Genetics/Laboratory Corporation of America, LabCorp); PubMed 19686598 (cited by Women's Health and Genetics/Laboratory Corporation of America, LabCorp); PubMed 25491204 (cited by Dasa); PubMed 24694054 (cited by Dasa); PubMed 29529603 (cited by Dasa).